The following is an entry in ClinVar:

NM_006019.4(TCIRG1):c.1567del (p.Ala523fs)

Gene: TCIRG1 (T cell immune regulator 1, ATPase H+ transporting V0 subunit a3; plus strand). Cytogenetic location: 11q13.2.
Variant type: Deletion.
Coding change: c.1567del on transcript NM_006019.4 (MANE Select); coding-DNA position 1567, one base deleted (G; older notation c.1567delG).
Protein change: p.Ala523fs; shifts the reading frame from alanine 523.
Molecular consequence: frameshift variant.
Genome position (GRCh38, 1-based): chr11:68,048,891, G deleted; the last of 2 consecutive G bases (chr11:68,048,890-68,048,891); deleting either gives the same sequence. VCF-style (leftmost placement, unchanged base first): chr11-68048889-TG-T. GRCh37 (hg19) VCF-style: chr11-67816356-TG-T.
Other names: c.673del, p.Ala225fs (NM_001351059.2); c.919del, p.Ala307fs (NM_006053.4); short protein forms A225fs, A307fs, A523fs.
Identifiers: ClinVar variation 1724846 (VCV001724846.2), dbSNP rs2495655889, ClinGen allele CA2580084819.

ClinVar aggregate classification (germline): Likely pathogenic (1 of 4 stars; one submission).

Conditions:
Autosomal recessive osteopetrosis 1. Also called: TCIRG1-Related Autosomal Recessive Osteopetrosis; ALBERS-SCHONBERG DISEASE, AUTOSOMAL RECESSIVE; TCIRG1-Related Osteopetrosis. Identifiers: Orphanet 667, MedGen C1850127, MONDO:0009815, OMIM 259700.

Submission:

Myriad Genetics, Inc.
Classification: Likely pathogenic for Autosomal recessive osteopetrosis 1. Last evaluated: 2022-03-01. Review status: criteria provided, single submitter. Criteria: Myriad Women's Health Autosomal Recessive and X-Linked Classification Criteria (2021). Collection method: clinical testing. Allele origin: unknown.
Comment: NM_006019.3(TCIRG1):c.1567delG(A523Lfs*5) is expected to be pathogenic in the context of autosomal recessive osteopetrosis type 1. This variant is predicted to lead to an abnormal or absent protein product due to the creation of a premature termination codon in TCIRG1, a gene where loss-of-function variants are known to be pathogenic. Please note: this variant was assessed in the context of healthy population screening.